The following is an entry in ClinVar:

ClinVar aggregate classification (germline): Uncertain significance. Review status: criteria provided, multiple submitters, no conflicts (2 of 4 stars). 2 submissions from 2 submitters: Uncertain significance (2). Last evaluated 2025-08-05.

Conditions:
Inborn genetic diseases. Identifiers: MedGen C0950123, MeSH D030342.

gnomAD v4.1: 8 of 1,584,728 alleles (0.0005%); highest among the groups gnomAD compares: Admixed American, 0.01%; no homozygotes.

Submissions (2):

Ambry Genetics
Classification: Uncertain significance for Inborn genetic diseases. Last evaluated: 2025-08-05. Review status: criteria provided, single submitter. Criteria: Ambry Variant Classification Scheme 2023. Collection method: clinical testing. Allele origin: germline.

Labcorp Genetics (formerly Invitae), Labcorp
Classification: Uncertain significance. Last evaluated: 2024-12-04. Review status: criteria provided, single submitter. Criteria: Invitae Variant Classification Sherloc (09022015). Collection method: clinical testing. Allele origin: germline.
Comment: This sequence change replaces lysine, which is basic and polar, with threonine, which is neutral and polar, at codon 333 of the CD2AP protein (p.Lys333Thr). This variant is present in population databases (rs773216411, gnomAD 0.01%). This variant has not been reported in the literature in individuals affected with CD2AP-related conditions. Invitae Evidence Modeling of protein sequence and biophysical properties (such as structural, functional, and spatial information, amino acid conservation, physicochemical variation, residue mobility, and thermodynamic stability) indicates that this missense variant is not expected to disrupt CD2AP protein function with a negative predictive value of 80%. In summary, the available evidence is currently insufficient to determine the role of this variant in disease. Therefore, it has been classified as a Variant of Uncertain Significance.

NM_012120.3(CD2AP):c.998A>C (p.Lys333Thr)

Gene: CD2AP (CD2 associated protein; plus strand). Cytogenetic location: 6p12.3.
Variant type: single nucleotide variant.
Coding change: c.998A>C on transcript NM_012120.3 (MANE Select); coding-DNA position 998, A replaced by C.
Protein change: p.Lys333Thr; replaces lysine 333 with threonine.
Molecular consequence: missense variant.
Genome position (GRCh38, 1-based): chr6:47,579,479, A>C. VCF-style: chr6-47579479-A-C. GRCh37 (hg19) VCF-style: chr6-47547215-A-C.
Other names: c.998A>C (NM_012120.2); short protein forms K333T.
Identifiers: ClinVar variation 3624840 (VCV003624840.3).